The following is an entry in ClinVar:

NM_003742.4(ABCB11):c.3254T>G (p.Phe1085Cys)

Gene: ABCB11 (ATP binding cassette subfamily B member 11; minus strand). Cytogenetic location: 2q31.1.
Variant type: single nucleotide variant.
Coding change: c.3254T>G on transcript NM_003742.4 (MANE Select); coding-DNA position 3254, T replaced by G.
Protein change: p.Phe1085Cys; replaces phenylalanine 1085 with cysteine.
Molecular consequence: missense variant.
Genome position (GRCh38, 1-based): chr2:168,930,822, A>C on the plus strand (T>G on the coding strand, the complement: ABCB11 is on the minus strand). VCF-style: chr2-168930822-A-C. GRCh37 (hg19) VCF-style: chr2-169787332-A-C.
Other names: short protein forms F1085C.
Identifiers: ClinVar variation 4845992 (VCV004845992.1).

ClinVar aggregate classification (germline): Uncertain significance (1 of 4 stars; one submission).

Conditions:
Familial intrahepatic cholestasis. Identifiers: Orphanet 284385, MedGen CN296401, MONDO:0017290.

gnomAD v4.1: 3 of 1,610,666 alleles (0.00019%); highest among the groups gnomAD compares: Non-Finnish European, 0.00025%; no homozygotes.

Submission:

Genomenon, Inc
Classification: Uncertain significance for Familial intrahepatic cholestasis. Last evaluated: 2026-04-14. Review status: criteria provided, single submitter. Criteria: Genomenon Sequence Variant Interpretation Standards - Updated. Collection method: curation. Allele origin: germline. Affected: yes.
Comment: ABCB11 p.Phe1085Cys (c.3254T>G) is a missense variant that changes the amino acid at residue 1085 from Phenylalanine to Cysteine. This variant has been observed in at least one proband with an ABCB11-related disorder (PMID:37697751). It is absent or not present at a significant frequency in gnomAD. In silico models predict that this variant is possibly or probably damaging. In conclusion, we classify ABCB11 p.Phe1085Cys (c.3254T>G) as a variant of uncertain significance.

Literature cited by the submitters: PubMed 37697751.